The following is an entry in ClinVar:

NM_003238.6(TGFB2):c.933-1G>A

Gene: TGFB2 (transforming growth factor beta 2; plus strand). Cytogenetic location: 1q41.
Variant type: single nucleotide variant.
Coding change: c.933-1G>A on transcript NM_003238.6 (MANE Select); the canonical splice acceptor site of the intron before coding-DNA position 933, G replaced by A.
Molecular consequence: splice acceptor variant.
Genome position (GRCh38, 1-based): chr1:218,437,342, G>A. VCF-style: chr1-218437342-G-A. GRCh37 (hg19) VCF-style: chr1-218610684-G-A.
Other names: c.1017-1G>A (NM_001135599.4).
Identifiers: ClinVar variation 1804996 (VCV001804996.4), dbSNP rs866504799, ClinGen allele CA37622180.
Genomic context (GRCh38, chr1:218,437,342, plus strand): 5'-AGAGTGAGGGTGGTGAATCAGCTTTAAAATCTCCATTGCTTTTTTTTTTTTTTTTTAACA[G>A]AAATGTGCAGGATAATTGCTGCCTACGTCCACTTTACATTGATTTCAAGAGGGATCTAGG-3'

ClinVar aggregate classification (germline): Pathogenic/Likely pathogenic. Review status: criteria provided, multiple submitters, no conflicts (2 of 4 stars). 2 submissions from 2 submitters: Pathogenic (1); Likely pathogenic (1). Last evaluated 2023-08-24.

Conditions:
Loeys-Dietz syndrome 4 (LDS4). Also called: ANEURYSM, AORTIC AND CEREBRAL, WITH ARTERIAL TORTUOSITY AND SKELETAL MANIFESTATIONS; TGFB2-Related Loeys-Dietz Syndrome. Identifiers: MedGen C3553762, MONDO:0013897, OMIM 614816.

Allele frequency attached by ClinVar (database versions not stated): gnomAD exomes 0.00002.

Submissions (2):

Labcorp Genetics (formerly Invitae), Labcorp
Classification: Likely pathogenic for Loeys-Dietz syndrome 4. Last evaluated: 2023-08-24. Review status: criteria provided, single submitter. Criteria: Invitae Variant Classification Sherloc (09022015). Collection method: clinical testing. Allele origin: germline.
Comment: In summary, the currently available evidence indicates that the variant is pathogenic, but additional data are needed to prove that conclusively. Therefore, this variant has been classified as Likely Pathogenic. Algorithms developed to predict the effect of sequence changes on RNA splicing suggest that this variant may disrupt the consensus splice site. ClinVar contains an entry for this variant (Variation ID: 1804996). Disruption of this splice site has been observed in individual(s) with TGFB2-related conditions (PMID: 29907982). The frequency data for this variant in the population databases is considered unreliable, as metrics indicate poor data quality at this position in the gnomAD database. This sequence change affects an acceptor splice site in intron 5 of the TGFB2 gene. It is expected to disrupt RNA splicing. Variants that disrupt the donor or acceptor splice site typically lead to a loss of protein function (PMID: 16199547), and loss-of-function variants in TGFB2 are known to be pathogenic (PMID: 22772368, 22772371, 30739908).

Victorian Clinical Genetics Services, Murdoch Childrens Research Institute
Classification: Pathogenic for Loeys-Dietz syndrome 4. Last evaluated: 2022-02-02. Review status: criteria provided, single submitter. Criteria: ACMG Guidelines, 2015. Collection method: clinical testing. Allele origin: germline. Inheritance: Autosomal dominant inheritance. Affected: yes.
Comment: Based on the classification scheme VCGS_Germline_v1.3.4, this variant is classified as Pathogenic. Following criteria are met: 0102 - Loss of function is a known mechanism of disease in this gene and is associated with Loeys-Dietz syndrome 4 (MIM#614816). (I) 0107 - This gene is associated with autosomal dominant disease. (I) 0211 - Canonical splice site variant without proven consequence on splicing (no functional evidence available). (SP) 0251 - This variant is heterozygous. (I) 0301 - Variant is absent from gnomAD (both v2 and v3). While some alleles are present, these have failed quality checks by gnomAD. (SP) 0505 - Abnormal splicing is predicted by in silico tools and affected nucleotide is highly conserved. (SP) 0704 - Another splice site variant comparable to the one identified in this case has limited previous evidence for pathogenicity. c.933-1G>T has been found de novo in a patient with hereditary thoracic aortic disease (PMID: 29907982, LOVD). (SP) 0807 - This variant has no previous evidence of pathogenicity. (I) 0905 - No published segregation evidence has been identified for this variant. (I) 1007 - No published functional evidence has been identified for this variant. (I) 1102 - Strong phenotype match for this individual. (SP) Legend: (SP) - Supporting pathogenic, (I) - Information, (SB) - Supporting benign

Literature cited by the submitters: PubMed 29907982 (cited by Labcorp Genetics (formerly Invitae), Labcorp and Victorian Clinical Genetics Services, Murdoch Childrens Research Institute); PubMed 16199547 (cited by Labcorp Genetics (formerly Invitae), Labcorp); PubMed 22772368 (cited by Labcorp Genetics (formerly Invitae), Labcorp); PubMed 22772371 (cited by Labcorp Genetics (formerly Invitae), Labcorp); PubMed 30739908 (cited by Labcorp Genetics (formerly Invitae), Labcorp).